The following is an entry in ClinVar:

NM_000092.5(COL4A4):c.1074G>C (p.Leu358Phe)

Gene: COL4A4 (collagen type IV alpha 4 chain; minus strand). Cytogenetic location: 2q36.3.
Variant type: single nucleotide variant.
Coding change: c.1074G>C on transcript NM_000092.5 (MANE Select); coding-DNA position 1074, G replaced by C.
Protein change: p.Leu358Phe; replaces leucine 358 with phenylalanine.
Molecular consequence: missense variant.
Genome position (GRCh38, 1-based): chr2:227,099,645, C>G on the plus strand (G>C on the coding strand, the complement: COL4A4 is on the minus strand). VCF-style: chr2-227099645-C-G. GRCh37 (hg19) VCF-style: chr2-227964361-C-G.
Other names: short protein forms L358F.
Identifiers: ClinVar variation 1683968 (VCV001683968.13), dbSNP rs374680846, ClinGen allele CA66559116.

ClinVar aggregate classification (germline): Uncertain significance. Review status: criteria provided, multiple submitters, no conflicts (2 of 4 stars). 7 submissions from 7 submitters: Uncertain significance (7). Last evaluated 2026-09-02.

Conditions:
COL4A4-related disorder.
Inborn genetic diseases. Identifiers: MedGen C0950123, MeSH D030342.
Autosomal recessive Alport syndrome (ATS2). Also called: COL4A4 Alport Syndrome and Thin Basement Membrane Nephropathy; ALPORT SYNDROME 2, AUTOSOMAL RECESSIVE; COL4A3-Related Nephropathy; Alport syndrome type 2. Identifiers: Orphanet 63, Orphanet 88919, MedGen C4746745, MONDO:0008762, OMIM 203780.
Hematuria, benign familial, 1 (BFH1). Also called: THIN MEMBRANE NEPHROPATHY. Identifiers: MedGen CN376803, MONDO:0007709, OMIM 141200.

Allele frequency attached by ClinVar (database versions not stated): gnomAD exomes below 0.00001; TOPMed 0.00002.
gnomAD v4.1: 35 of 1,613,972 alleles (0.0022%); highest among the groups gnomAD compares: East Asian, 0.013%; no homozygotes.

Submissions (7):

PreventionGenetics, part of Exact Sciences
Classification: Uncertain significance for COL4A4-related condition. Last evaluated: 2026-09-02. Review status: criteria provided, single submitter. Criteria: ACMG Guidelines, 2015. Collection method: clinical testing. Allele origin: germline.
Comment: The COL4A4 c.1074G>C variant is predicted to result in the amino acid substitution p.Leu358Phe. This variant was reported in an individual with Chronic kidney disease (Blasco et al. 2024. PubMed ID: 38972501). This variant is reported in 0.010% of alleles in individuals of East Asian descent in gnomAD. At this time, the clinical significance of this variant is uncertain due to the absence of conclusive functional and genetic evidence.

GeneDx
Classification: Uncertain significance. Last evaluated: 2025-01-27. Review status: criteria provided, single submitter. Criteria: GeneDx Variant Classification Process June 2021. Collection method: clinical testing. Allele origin: germline. Affected: yes.
Comment: In silico analysis indicates that this missense variant does not alter protein structure/function; Has not been previously published as pathogenic or benign to our knowledge

Ambry Genetics
Classification: Uncertain significance for Inborn genetic diseases. Last evaluated: 2024-07-16. Review status: criteria provided, single submitter. Criteria: Ambry Variant Classification Scheme 2023. Collection method: clinical testing. Allele origin: germline.

Labcorp Genetics (formerly Invitae), Labcorp
Classification: Uncertain significance. Last evaluated: 2024-07-06. Review status: criteria provided, single submitter. Criteria: Invitae Variant Classification Sherloc (09022015). Collection method: clinical testing. Allele origin: germline.
Comment: This sequence change replaces leucine, which is neutral and non-polar, with phenylalanine, which is neutral and non-polar, at codon 358 of the COL4A4 protein (p.Leu358Phe). This variant is present in population databases (rs374680846, gnomAD 0.01%). This variant has not been reported in the literature in individuals affected with COL4A4-related conditions. ClinVar contains an entry for this variant (Variation ID: 1683968). Advanced modeling of protein sequence and biophysical properties (such as structural, functional, and spatial information, amino acid conservation, physicochemical variation, residue mobility, and thermodynamic stability) performed at Invitae indicates that this missense variant is not expected to disrupt COL4A4 protein function with a negative predictive value of 95%. In summary, the available evidence is currently insufficient to determine the role of this variant in disease. Therefore, it has been classified as a Variant of Uncertain Significance.

Fulgent Genetics
Classification: Uncertain significance for Hematuria, benign familial, 1; Autosomal recessive Alport syndrome. Last evaluated: 2024-03-07. Review status: criteria provided, single submitter. Criteria: ACMG Guidelines, 2015. Collection method: clinical testing. Allele origin: germline.

Blueprint Genetics
Classification: Uncertain significance. Last evaluated: 2024-02-05. Review status: criteria provided, single submitter. Criteria: ACMG Guidelines, 2015. Collection method: clinical testing. Allele origin: germline.

Revvity Omics, Revvity
Classification: Uncertain significance. Last evaluated: 2021-10-29. Review status: criteria provided, single submitter. Criteria: ACMG Guidelines, 2015. Collection method: clinical testing. Allele origin: germline.